The following is an entry in ClinVar:

ClinVar aggregate classification (germline): Conflicting classifications of pathogenicity. Review status: criteria provided, conflicting classifications (1 of 4 stars). 2 submissions from 2 submitters: Uncertain significance (1); Likely benign (1). Last evaluated 2025-05-19.

Conditions:
Inborn genetic diseases. Identifiers: MedGen C0950123, MeSH D030342.

Allele frequency attached by ClinVar (database versions not stated): gnomAD 0.00001.

Submissions (2):

Ambry Genetics
Classification: Likely benign for Inborn genetic diseases. Last evaluated: 2025-05-19. Review status: criteria provided, single submitter. Criteria: Ambry Variant Classification Scheme 2023. Collection method: clinical testing. Allele origin: germline.

Labcorp Genetics (formerly Invitae), Labcorp
Classification: Uncertain significance. Last evaluated: 2025-03-05. Review status: criteria provided, single submitter. Criteria: Invitae Variant Classification Sherloc (09022015). Collection method: clinical testing. Allele origin: germline.
Comment: This sequence change replaces serine, which is neutral and polar, with phenylalanine, which is neutral and non-polar, at codon 291 of the MBD4 protein (p.Ser291Phe). This variant is not present in population databases (gnomAD no frequency). This variant has not been reported in the literature in individuals affected with MBD4-related conditions. ClinVar contains an entry for this variant (Variation ID: 2700479). An algorithm developed to predict the effect of missense changes on protein structure and function outputs the following: PolyPhen-2: "Benign". The phenylalanine amino acid residue is found in multiple mammalian species, which suggests that this missense change does not adversely affect protein function. In summary, the available evidence is currently insufficient to determine the role of this variant in disease. Therefore, it has been classified as a Variant of Uncertain Significance.

NM_001276270.2(MBD4):c.872C>T (p.Ser291Phe)

Gene: MBD4 (methyl-CpG binding domain 4, DNA glycosylase; minus strand). Cytogenetic location: 3q21.3.
Variant type: single nucleotide variant.
Coding change: c.872C>T on transcript NM_001276270.2 (MANE Select); coding-DNA position 872, C replaced by T.
Protein change: p.Ser291Phe; replaces serine 291 with phenylalanine.
Molecular consequence: missense variant. On other transcripts: intron variant (1).
Genome position (GRCh38, 1-based): chr3:129,436,772, G>A on the plus strand (C>T on the coding strand, the complement: MBD4 is on the minus strand). VCF-style: chr3-129436772-G-A. GRCh37 (hg19) VCF-style: chr3-129155615-G-A.
Other names: c.872C>T, p.Ser291Phe (NM_001276271.2, NM_001276272.2, NM_003925.3); c.247+1036C>T (NM_001276273.2); short protein forms S291F.
Identifiers: ClinVar variation 2700479 (VCV002700479.4), dbSNP rs2072470933, ClinGen allele CA354467063.